The following is an entry in ClinVar:

NM_001395849.1(NPIPB5):c.1488C>T (p.Ala496=)

Gene: NPIPB5 (nuclear pore complex interacting protein family member B5). Cytogenetic location: 16p12.2.
Variant type: single nucleotide variant.
Coding change: c.1488C>T on transcript NM_001395849.1 (MANE Select); coding-DNA position 1488, C replaced by T.
Protein change: p.Ala496=; no amino-acid change (alanine 496 retained).
Molecular consequence: synonymous variant.
Genome position (GRCh38, 1-based): chr16:22,534,471, C>T. VCF-style: chr16-22534471-C-T. GRCh37 (hg19) VCF-style: chr16-22545792-C-T.
Other names: c.1488C>T, p.Ala496= (NM_001135865.3, NM_001395850.1, NM_001395851.1).
Identifiers: ClinVar variation 403260 (VCV000403260.5), dbSNP rs755632125, ClinGen allele CA7957800.

ClinVar aggregate classification (germline): Likely benign. Review status: criteria provided, multiple submitters, no conflicts (2 of 4 stars). 2 submissions from 2 submitters: Likely benign (2). Last evaluated 2016-03-28.

Allele frequency attached by ClinVar (database versions not stated): ExAC 0.00012; gnomAD 0.00022 and 0.00026.

Submissions (2):

Laboratory for Molecular Medicine, Mass General Brigham Personalized Medicine
Classification: Likely benign. Last evaluated: 2016-03-28. Review status: criteria provided, single submitter. Criteria: LMM Criteria. Collection method: clinical testing. Allele origin: germline.
Comment: Variant identified in a genome or exome case(s) and assessed due to predicted null impact of the variant or pathogenic assertions in the literature or databases. Disclaimer: This variant has not undergone full assessment. The following are preliminary notes: Silent variant not near splice site

Breakthrough Genomics
Classification: Likely benign. Review status: criteria provided, single submitter. Criteria: ACMG Guidelines, 2015. Collection method: not provided. Allele origin: germline. Inheritance: Unknown mechanism. Affected: yes.